The following is an entry in ClinVar:

ClinVar aggregate classification (germline): Benign/Likely benign. Review status: criteria provided, multiple submitters, no conflicts (2 of 4 stars). 13 submissions from 13 submitters: Benign (9); Likely benign (2). 2 of the submissions do not count toward it. Last evaluated 2026-02-04.

Conditions:
Rhizomelic chondrodysplasia punctata type 2 (RCDP2). Also called: DIHYDROXYACETONEPHOSPHATE ACYLTRANSFERASE DEFICIENCY; Chondrodysplasia punctata, rhizomelic, due to dihydroxyacetonephosphate acyltransferase deficiency; Glyceronephosphate O-acyltransferase deficiency; PEROXISOMAL DIHYDROXYACETONEPHOSPHATE ACYLTRANSFERASE DEFICIENCY; DHAPAT DEFICIENCY; glyceronephosphate O-acyltransferase (GNPAT) deficiency. Identifiers: Orphanet 177, Orphanet 309796, MedGen C1857242, MONDO:0100273, OMIM 222765. Disease mechanism: loss of function.

Allele frequency attached by ClinVar (database versions not stated): gnomAD 0.15945 and 0.15938; gnomAD exomes 0.16322; 1000 Genomes Project 30x 0.13148; 1000 Genomes Project 0.13558; TOPMed 0.16553; ESP Exome Variant Server 0.16715.
gnomAD v4.1: 307,127 of 1,586,152 alleles (19%); highest among the groups gnomAD compares: Non-Finnish European, 22%; 32,140 homozygotes.

Submissions (13):

Labcorp Genetics (formerly Invitae), Labcorp
Classification: Benign. Last evaluated: 2026-02-04. Review status: criteria provided, single submitter. Criteria: Invitae Variant Classification Sherloc (09022015). Collection method: clinical testing. Allele origin: germline.

ARUP Laboratories, Molecular Genetics and Genomics, ARUP Laboratories
Classification: Benign for Rhizomelic chondrodysplasia punctata type 2. Last evaluated: 2025-06-24. Review status: criteria provided, single submitter. Criteria: ARUP Molecular Germline Variant Investigation Process 2024. Collection method: clinical testing. Allele origin: germline.

Blueprint Genetics
Classification: Benign. Last evaluated: 2024-11-26. Review status: criteria provided, single submitter. Criteria: ACMG Guidelines, 2015. Collection method: clinical testing. Allele origin: germline.

Department of Pathology and Laboratory Medicine, Sinai Health System
Classification: Benign for Rhizomelic chondrodysplasia punctata type 2. Last evaluated: 2023-04-23. Review status: criteria provided, single submitter. Criteria: ACMG Guidelines, 2015. Collection method: research. Allele origin: germline.

Fulgent Genetics
Classification: Benign for Rhizomelic chondrodysplasia punctata type 2. Last evaluated: 2022-04-26. Review status: criteria provided, single submitter. Criteria: ACMG Guidelines, 2015. Collection method: clinical testing. Allele origin: unknown.

Women's Health and Genetics/Laboratory Corporation of America, LabCorp
Classification: Likely benign. Last evaluated: 2021-12-03. Review status: criteria provided, single submitter. Criteria: LabCorp Variant Classification Summary - May 2015. Collection method: clinical testing. Allele origin: germline.

Mendelics
Classification: Benign for Rhizomelic chondrodysplasia punctata type 2. Last evaluated: 2019-05-28. Review status: criteria provided, single submitter. Criteria: Mendelics Assertion Criteria 2017. Collection method: clinical testing. Allele origin: unknown.

Illumina Laboratory Services, Illumina
Classification: Benign for Rhizomelic chondrodysplasia punctata type 2. Last evaluated: 2018-01-12. Review status: criteria provided, single submitter. Criteria: ICSL Variant Classification Criteria 13 December 2019. Collection method: clinical testing. Allele origin: germline.
Comment: This variant was observed in the ICSL laboratory as part of a predisposition screen in an ostensibly healthy population. It had not been previously curated by ICSL or reported in the Human Gene Mutation Database (HGMD: prior to June 1st, 2018), and was therefore a candidate for classification through an automated scoring system. Utilizing variant allele frequency, disease prevalence and penetrance estimates, and inheritance mode, an automated score was calculated to assess if this variant is too frequent to cause the disease. Based on the score and internal cut-off values, a variant classified as benign is not then subjected to further curation. The score for this variant resulted in a classification of benign for this disease.

PreventionGenetics, part of Exact Sciences
Classification: Benign. Last evaluated: 2016-03-22. Review status: criteria provided, single submitter. Criteria: ACMG Guidelines, 2015. Collection method: clinical testing. Allele origin: germline.

GeneDx
Classification: Benign. Last evaluated: 2016-03-21. Review status: criteria provided, single submitter. Criteria: GeneDx Variant Classification (06012015). Collection method: clinical testing. Allele origin: germline. Affected: yes.
Comment: This variant is considered likely benign or benign based on one or more of the following criteria: it is a conservative change, it occurs at a poorly conserved position in the protein, it is predicted to be benign by multiple in silico algorithms, and/or has population frequency not consistent with disease.

Breakthrough Genomics
Classification: Likely benign. Review status: criteria provided, single submitter. Criteria: ACMG Guidelines, 2015. Collection method: not provided. Allele origin: germline. Inheritance: Autosomal recessive inheritance. Affected: yes.

Mayo Clinic Laboratories, Mayo Clinic
Classification: Benign. Last evaluated: 2017-09-27. Review status: no assertion criteria provided. Collection method: clinical testing. Allele origin: unknown. Not counted in ClinVar's aggregate classification.

OMIM
Classification: Pathogenic for RHIZOMELIC CHONDRODYSPLASIA PUNCTATA, TYPE 2. Last evaluated: 1998-05-01. Review status: no assertion criteria provided. Collection method: literature only. Allele origin: germline. Not counted in ClinVar's aggregate classification.

Literature cited by the submitters: PubMed 9536089 (cited by OMIM).

NM_014236.4(GNPAT):c.1556A>G (p.Asp519Gly)

Gene: GNPAT (glyceronephosphate O-acyltransferase; plus strand). Cytogenetic location: 1q42.2.
Variant type: single nucleotide variant.
Coding change: c.1556A>G on transcript NM_014236.4 (MANE Select); coding-DNA position 1556, A replaced by G.
Protein change: p.Asp519Gly; replaces aspartic acid 519 with glycine.
Molecular consequence: missense variant.
Genome position (GRCh38, 1-based): chr1:231,272,345, A>G. VCF-style: chr1-231272345-A-G. GRCh37 (hg19) VCF-style: chr1-231408091-A-G.
Other names: c.1373A>G, p.Asp458Gly (NM_001316350.2); short protein forms D519G, D458G.
Identifiers: ClinVar variation 35465 (VCV000035465.35), dbSNP rs11558492, ClinGen allele CA129915.
Genomic context (GRCh38, chr1:231,272,345, plus strand): 5'-AATTTTACATGATGCATTTATTTCCAGAGGATGTCTACAGTTGCTTTCGCTTCCTACGTG[A>G]TGTTTTTGCAGATGAGTTCATCTTCCTTCCAGGAAACACACTAAAGGTAAAGTGCTTACA-3'
Protein context (NP_055051.1, residues 509-529): DVYSCFRFLR[Asp519Gly]VFADEFIFLP